The following is an entry in ClinVar:

ClinVar aggregate classification (germline): Uncertain significance. Review status: reviewed by expert panel (3 of 4 stars). 3 submissions from 3 submitters: Uncertain significance (1). 2 of the submissions do not count toward it. Last evaluated 2025-03-26.

Conditions:
Hereditary thrombocytopenia and hematologic cancer predisposition syndrome. Identifiers: Orphanet 71290, MedGen CN281654, MONDO:0011071.
Inborn genetic diseases. Identifiers: MedGen C0950123, MeSH D030342.

Submissions (3):

ClinGen Myeloid Malignancy Variant Curation Expert Panel
Classification: Uncertain significance for Hereditary thrombocytopenia and hematologic cancer predisposition syndrome. Last evaluated: 2025-03-26. Review status: reviewed by expert panel. Criteria: ClinGen MyeloMalig ACMG Specifications v2. Collection method: curation. Allele origin: germline. Inheritance: Autosomal dominant inheritance.
Comment: NM_001754.5(RUNX1):c.1334G>A (p.Ser445Asn) is a missense variant which is completely absent from all population databases with at least 20x coverage for RUNX1 (PM2_supporting). This variant has a REVEL score < 0.50 (0.089) and a SpliceAI score ≤ 0.20 (0.0) (BP4). In summary, the clinical significance of this variant is uncertain. ACMG/AMP criteria applied, as specified by the Myeloid Malignancy Variant Curation Expert Panel for RUNX1: BP4, PM2_supporting.

Ambry Genetics
Classification: Uncertain significance for Inborn genetic diseases. Last evaluated: 2025-03-15. Review status: criteria provided, single submitter. Criteria: Ambry Variant Classification Scheme 2023. Collection method: clinical testing. Allele origin: germline. Not counted in ClinVar's aggregate classification.
Comment: The p.S445N variant (also known as c.1334G>A), located in coding exon 8 of the RUNX1 gene, results from a G to A substitution at nucleotide position 1334. The serine at codon 445 is replaced by asparagine, an amino acid with highly similar properties. This amino acid position is conserved. In addition, this alteration is predicted to be tolerated by in silico analysis. Based on the available evidence, the clinical significance of this variant remains unclear.

GeneDx
Classification: Uncertain significance. Last evaluated: 2023-10-25. Review status: criteria provided, single submitter. Criteria: GeneDx Variant Classification Process June 2021. Collection method: clinical testing. Allele origin: germline. Affected: yes. Not counted in ClinVar's aggregate classification.
Comment: Not observed at significant frequency in large population cohorts (gnomAD); In silico analysis supports that this missense variant does not alter protein structure/function; Has not been previously published as pathogenic or benign to our knowledge

NM_001754.5(RUNX1):c.1334G>A (p.Ser445Asn)

Gene: RUNX1 (RUNX family transcription factor 1; minus strand). Cytogenetic location: 21q22.12.
Variant type: single nucleotide variant.
Coding change: c.1334G>A on transcript NM_001754.5 (MANE Select); coding-DNA position 1334, G replaced by A.
Protein change: p.Ser445Asn; replaces serine 445 with asparagine.
Molecular consequence: missense variant.
Genome position (GRCh38, 1-based): chr21:34,792,244, C>T on the plus strand (G>A on the coding strand, the complement: RUNX1 is on the minus strand). VCF-style: chr21-34792244-C-T. GRCh37 (hg19) VCF-style: chr21-36164541-C-T.
Other names: NM_001754.5(RUNX1):c.1334G>A; p.Ser445Asn; c.1253G>A, p.Ser418Asn (NM_001001890.3); short protein forms S418N, S445N.
Identifiers: ClinVar variation 3363507 (VCV003363507.3).
Genomic context (GRCh38, chr21:34,792,244, plus strand): 5'-TTGGTGGGGGAGTTGCTGTGGCTGCCCTCGGCCTCCACCACGTCGCTCTGGTTCGGGAGG[C>T]TGGGGTTGAGCAGCGCGGAGCCGGTGGAGGCGTTGGTGCAGGGCGGCAGGATGCGCGGCG-3'
Protein context (NP_001745.2, residues 435-455): ASTGSALLNP[Ser445Asn]LPNQSDVVEA